The following is an entry in ClinVar:

NM_001003787.4(STRADA):c.29G>A (p.Arg10Gln)

Gene: STRADA (STE20 related adaptor alpha; minus strand). Cytogenetic location: 17q23.3.
Variant type: single nucleotide variant.
Coding change: c.29G>A on transcript NM_001003787.4 (MANE Select); coding-DNA position 29, G replaced by A.
Protein change: p.Arg10Gln; replaces arginine 10 with glutamine.
Molecular consequence: missense variant. On other transcripts: 5 prime UTR variant (2), non-coding transcript variant (1), intron variant (5).
Genome position (GRCh38, 1-based): chr17:63,728,341, C>T on the plus strand (G>A on the coding strand, the complement: STRADA is on the minus strand). VCF-style: chr17-63728341-C-T. GRCh37 (hg19) VCF-style: chr17-61805701-C-T.
Other names: c.-117G>A (NM_001003788.3, NM_001363791.1); c.29G>A, p.Arg10Gln (NM_001165969.2, NM_001165970.2, NM_001363787.1 and 1 more transcripts); c.12+17G>A (NM_001363789.1, NM_001003786.3, NM_153335.6 and 1 more transcripts); c.-110+17G>A (NM_001363790.1); short protein forms R10Q.
Identifiers: ClinVar variation 1449807 (VCV001449807.3), dbSNP rs751121350, ClinGen allele CA8703560.

ClinVar aggregate classification (germline): Uncertain significance (1 of 4 stars; one submission).

Conditions:
Polyhydramnios, megalencephaly, and symptomatic epilepsy (PMSE). Also called: PMSE SYNDROME. Identifiers: Orphanet 500533, MedGen C1970203, MONDO:0012611, OMIM 611087.

gnomAD v4.1: 34 of 1,613,308 alleles (0.0021%); highest among the groups gnomAD compares: Non-Finnish European, 0.0029%; no homozygotes.

Submission:

Labcorp Genetics (formerly Invitae), Labcorp
Classification: Uncertain significance for Polyhydramnios, megalencephaly, and symptomatic epilepsy. Last evaluated: 2022-08-10. Review status: criteria provided, single submitter. Criteria: Invitae Variant Classification Sherloc (09022015). Collection method: clinical testing. Allele origin: germline.
Comment: This sequence change replaces arginine, which is basic and polar, with glutamine, which is neutral and polar, at codon 10 of the STRADA protein (p.Arg10Gln). This variant is present in population databases (rs751121350, gnomAD 0.004%). This variant has not been reported in the literature in individuals affected with STRADA-related conditions. ClinVar contains an entry for this variant (Variation ID: 1449807). Algorithms developed to predict the effect of missense changes on protein structure and function are either unavailable or do not agree on the potential impact of this missense change (SIFT: "Deleterious"; PolyPhen-2: "Benign"; Align-GVGD: "Class C0"). In summary, the available evidence is currently insufficient to determine the role of this variant in disease. Therefore, it has been classified as a Variant of Uncertain Significance.